The following is an entry in ClinVar:

ClinVar aggregate classification (germline): Benign. Review status: criteria provided, multiple submitters, no conflicts (2 of 4 stars). 5 submissions from 5 submitters: Benign (4). 1 of the submissions does not count toward it. Last evaluated 2026-02-04.

Conditions:
NEFH-related disorder. Also called: NEFH-related condition.

Allele frequency attached by ClinVar (database versions not stated): gnomAD exomes 0.00228; ExAC 0.00420; gnomAD 0.06102; TOPMed 0.06862; 1000 Genomes Project 0.06969; 1000 Genomes Project 30x 0.07730.
gnomAD v4.1: 16,007 of 1,398,798 alleles (1.1%); highest among the groups gnomAD compares: African/African-American, 22%; 1,590 homozygotes.

Submissions (5):

Labcorp Genetics (formerly Invitae), Labcorp
Classification: Benign. Last evaluated: 2026-02-04. Review status: criteria provided, single submitter. Criteria: Invitae Variant Classification Sherloc (09022015). Collection method: clinical testing. Allele origin: germline.

Mayo Clinic Laboratories, Mayo Clinic
Classification: Benign. Last evaluated: 2022-03-24. Review status: criteria provided, single submitter. Criteria: ACMG Guidelines, 2015. Collection method: clinical testing. Allele origin: germline. Observed: 30 variant alleles.

GeneDx
Classification: Benign. Last evaluated: 2021-04-02. Review status: criteria provided, single submitter. Criteria: GeneDx Variant Classification Process June 2021. Collection method: clinical testing. Allele origin: germline. Affected: yes.

Breakthrough Genomics
Classification: Benign. Review status: criteria provided, single submitter. Criteria: ACMG Guidelines, 2015. Collection method: not provided. Allele origin: germline. Inheritance: Autosomal recessive inheritance. Affected: yes.

PreventionGenetics, part of Exact Sciences
Classification: Benign for NEFH-related condition. Last evaluated: 2019-11-04. Review status: no assertion criteria provided. Collection method: clinical testing. Allele origin: germline. Not counted in ClinVar's aggregate classification.
Comment: This variant is classified as benign based on ACMG/AMP sequence variant interpretation guidelines (Richards et al. 2015 PMID: 25741868, with internal and published modifications).

NM_021076.4(NEFH):c.555A>C (p.Leu185=)

Gene: NEFH (neurofilament heavy chain; plus strand). Cytogenetic location: 22q12.2.
Variant type: single nucleotide variant.
Coding change: c.555A>C on transcript NM_021076.4 (MANE Select); coding-DNA position 555, A replaced by C.
Protein change: p.Leu185=; no amino-acid change (leucine 185 retained).
Molecular consequence: synonymous variant.
Genome position (GRCh38, 1-based): chr22:29,480,817, A>C. VCF-style: chr22-29480817-A-C. GRCh37 (hg19) VCF-style: chr22-29876806-A-C.
Other names: p.Leu185=.
Identifiers: ClinVar variation 781526 (VCV000781526.15), dbSNP rs7289196, ClinGen allele CA10174023.